The following is an entry in ClinVar:

NM_022166.4(XYLT1):c.923A>C (p.Asn308Thr)

Gene: XYLT1 (xylosyltransferase 1; minus strand). Cytogenetic location: 16p12.3.
Variant type: single nucleotide variant.
Coding change: c.923A>C on transcript NM_022166.4 (MANE Select); coding-DNA position 923, A replaced by C.
Protein change: p.Asn308Thr; replaces asparagine 308 with threonine.
Molecular consequence: missense variant.
Genome position (GRCh38, 1-based): chr16:17,200,645, T>G on the plus strand (A>C on the coding strand, the complement: XYLT1 is on the minus strand). VCF-style: chr16-17200645-T-G. GRCh37 (hg19) VCF-style: chr16-17294502-T-G.
Other names: short protein forms N308T.
Identifiers: ClinVar variation 1444954 (VCV001444954.8), dbSNP rs2141589656, ClinGen allele CA394886876.

ClinVar aggregate classification (germline): Uncertain significance (1 of 4 stars; one submission).

Conditions:
Desbuquois dysplasia 1 (DBQD1). Also called: DESBUQUOIS DYSPLASIA 1, KIM VARIANT; MICROMELIC DWARFISM WITH VERTEBRAL AND METAPHYSEAL ABNORMALITIES AND ADVANCED CARPOTARSAL OSSIFICATION. Identifiers: Orphanet 1425, MedGen C4012146, MONDO:0009629, OMIM 251450.

Allele frequency attached by ClinVar (database versions not stated): gnomAD exomes below 0.00001.
gnomAD v4.1: 1 of 1,613,100 alleles (0.000062%); highest among the groups gnomAD compares: Non-Finnish European, 0.000085%; no homozygotes.

Submission:

Labcorp Genetics (formerly Invitae), Labcorp
Classification: Uncertain significance for Desbuquois dysplasia 1. Last evaluated: 2021-02-25. Review status: criteria provided, single submitter. Criteria: Invitae Variant Classification Sherloc (09022015). Collection method: clinical testing. Allele origin: germline.
Comment: In summary, the available evidence is currently insufficient to determine the role of this variant in disease. Therefore, it has been classified as a Variant of Uncertain Significance. Algorithms developed to predict the effect of missense changes on protein structure and function output the following: SIFT: "Tolerated"; PolyPhen-2: "Benign"; Align-GVGD: "Class C0". The threonine amino acid residue is found in multiple mammalian species, suggesting that this missense change does not adversely affect protein function. These predictions have not been confirmed by published functional studies and their clinical significance is uncertain. This variant has not been reported in the literature in individuals with XYLT1-related conditions. This variant is not present in population databases (ExAC no frequency). This sequence change replaces asparagine with threonine at codon 308 of the XYLT1 protein (p.Asn308Thr). The asparagine residue is moderately conserved and there is a small physicochemical difference between asparagine and threonine.